The following is an entry in ClinVar:

NM_001114753.3(ENG):c.771dup (p.Tyr258fs)

Gene: ENG (endoglin; minus strand). Cytogenetic location: 9q34.11.
Variant type: Duplication.
Coding change: c.771dup on transcript NM_001114753.3 (MANE Select); coding-DNA position 771, one base duplicated (C; older notation c.771dupC).
Protein change: p.Tyr258fs; shifts the reading frame from tyrosine 258.
Molecular consequence: frameshift variant.
Genome position (GRCh38, 1-based): chr9:127,825,276, G duplicated on the plus strand (C on the coding strand, the reverse complement: ENG is on the minus strand); the first of 6 consecutive G bases (chr9:127,825,276-127,825,281); duplicating any one gives the same sequence. VCF-style (leftmost placement, unchanged base first): chr9-127825275-A-AG. GRCh37 (hg19) VCF-style: chr9-130587554-A-AG.
Other names: c.766dup, p.Tyr258Leufs (NM_000118.4, NM_001406715.1); c.225dup, p.Tyr76fs (NM_001278138.2); short protein forms Y258fs, Y76fs.
Identifiers: ClinVar variation 811750 (VCV000811750.15), dbSNP rs1588581902, ClinGen allele CA915947179.
Genomic context (GRCh38, chr9:127,825,275, plus strand): 5'-GCTGCGCACAACTCACCCAGATCTGCATGTTGTGGTTGGCGTCGATGAGCCAGGACACGT[A>AG]GGGGGGACCCTGCAGGATGAGGACGGCATCGAGATCCCCGGGTGCGCAGCTCAGTTCCAC-3'

ClinVar aggregate classification (germline): Pathogenic. Review status: criteria provided, multiple submitters, no conflicts (2 of 4 stars). 2 submissions from 2 submitters: Pathogenic (2). Last evaluated 2025-08-10.

Conditions:
Hereditary hemorrhagic telangiectasia (HHT). Also called: ORW DISEASE; Osler Weber Rendu syndrome; OSLER-RENDU-WEBER DISEASE; Osler hemorrhagic telangiectasia syndrome. Identifiers: Orphanet 774, MedGen C0039445, MONDO:0019180. Disease mechanism: loss of function.
Cardiovascular phenotype. Identifiers: MedGen CN230736.

Submissions (2):

Labcorp Genetics (formerly Invitae), Labcorp
Classification: Pathogenic for Hereditary hemorrhagic telangiectasia. Last evaluated: 2025-08-10. Review status: criteria provided, single submitter. Criteria: Invitae Variant Classification Sherloc (09022015). Collection method: clinical testing. Allele origin: germline.
Comment: This sequence change creates a premature translational stop signal (p.Tyr258Leufs*76) in the ENG gene. It is expected to result in an absent or disrupted protein product. Loss-of-function variants in ENG are known to be pathogenic (PMID: 15879500). This variant is not present in population databases (gnomAD no frequency). This premature translational stop signal has been observed in individual(s) with hereditary hemorrhagic telangiectasia (PMID: 16429404, 18673552). ClinVar contains an entry for this variant (Variation ID: 811750). For these reasons, this variant has been classified as Pathogenic.

Ambry Genetics
Classification: Pathogenic for Cardiovascular phenotype. Last evaluated: 2019-12-30. Review status: criteria provided, single submitter. Criteria: Ambry Variant Classification Scheme 2023. Collection method: clinical testing. Allele origin: germline.
Comment: The c.771dupC pathogenic mutation, located in coding exon 6 of the ENG gene, results from a duplication of C at nucleotide position 771, causing a translational frameshift with a predicted alternate stop codon (p.Y258Lfs*76). In addition to the clinical data presented in the literature, this alteration is expected to result in loss of function by premature protein truncation or nonsense-mediated mRNA decay. As such, this alteration is interpreted as a disease-causing mutation.

Literature cited by the submitters: PubMed 15879500 (cited by Labcorp Genetics (formerly Invitae), Labcorp); PubMed 16429404 (cited by Labcorp Genetics (formerly Invitae), Labcorp); PubMed 18673552 (cited by Labcorp Genetics (formerly Invitae), Labcorp and Ambry Genetics); PubMed 15024723 (cited by Ambry Genetics).